The following is an entry in ClinVar:

ClinVar aggregate classification (germline): Uncertain significance. Review status: criteria provided, multiple submitters, no conflicts (2 of 4 stars). 2 submissions from 2 submitters: Uncertain significance (2). Last evaluated 2025-12-08.

Conditions:
Inborn genetic diseases. Identifiers: MedGen C0950123, MeSH D030342.

gnomAD v4.1: 1 of 1,614,144 alleles (0.000062%); highest among the groups gnomAD compares: Non-Finnish European, 0.000085%; no homozygotes.

Submissions (2):

Ambry Genetics
Classification: Uncertain significance for Inborn genetic diseases. Last evaluated: 2025-12-08. Review status: criteria provided, single submitter. Criteria: Ambry Variant Classification Scheme 2023. Collection method: clinical testing. Allele origin: germline.

GeneDx
Classification: Uncertain significance. Last evaluated: 2021-01-13. Review status: criteria provided, single submitter. Criteria: GeneDx Variant Classification Process June 2021. Collection method: clinical testing. Allele origin: germline. Affected: yes.
Comment: Has not been previously published as pathogenic or benign to our knowledge; Not observed in large population cohorts (Lek et al., 2016); In silico analysis supports that this missense variant has a deleterious effect on protein structure/function

NM_001374353.1(GLI2):c.1218G>C (p.Arg406Ser)

Gene: GLI2 (GLI family zinc finger 2; plus strand). Cytogenetic location: 2q14.2.
Variant type: single nucleotide variant.
Coding change: c.1218G>C on transcript NM_001374353.1 (MANE Select); coding-DNA position 1218, G replaced by C.
Protein change: p.Arg406Ser; replaces arginine 406 with serine.
Molecular consequence: missense variant.
Genome position (GRCh38, 1-based): chr2:120,975,010, G>C. VCF-style: chr2-120975010-G-C. GRCh37 (hg19) VCF-style: chr2-121732586-G-C.
Other names: c.1269G>C, p.Arg423Ser (NM_001371271.1, NM_005270.5); c.843G>C, p.Arg281Ser (NM_001374354.1); short protein forms R281S, R406S, R423S.
Identifiers: ClinVar variation 1314024 (VCV001314024.3), dbSNP rs267598854, ClinGen allele CA348161117.